The following is an entry in ClinVar:

ClinVar aggregate classification (germline): Uncertain significance (1 of 4 stars; one submission).

Conditions:
Familial thoracic aortic aneurysm and aortic dissection (TAAD). Also called: Thoracic aortic aneurysms and dissections. Identifiers: Orphanet 91387, MedGen C4707243, MONDO:0019625.

Submission:

Labcorp Genetics (formerly Invitae), Labcorp
Classification: Uncertain significance for Familial thoracic aortic aneurysm and aortic dissection. Last evaluated: 2024-10-09. Review status: criteria provided, single submitter. Criteria: Invitae Variant Classification Sherloc (09022015). Collection method: clinical testing. Allele origin: germline.
Comment: This variant, c.70_81del, results in the deletion of 4 amino acid(s) of the TGFBR1 protein (p.Ala24_Leu27del), but otherwise preserves the integrity of the reading frame. The frequency data for this variant in the population databases is considered unreliable, as metrics indicate insufficient coverage at this position in the gnomAD database. This variant has not been reported in the literature in individuals affected with TGFBR1-related conditions. Experimental studies and prediction algorithms are not available or were not evaluated, and the functional significance of this variant is currently unknown. In summary, the available evidence is currently insufficient to determine the role of this variant in disease. Therefore, it has been classified as a Variant of Uncertain Significance.

NM_004612.4(TGFBR1):c.70_81del (p.Ala24_Leu27del)

Gene: TGFBR1 (transforming growth factor beta receptor 1; plus strand). Cytogenetic location: 9q22.33.
Variant type: Deletion.
Coding change: c.70_81del on transcript NM_004612.4 (MANE Select); coding-DNA positions 70 to 81, 12 bases deleted (GCGGCGGCGCTG).
Protein change: p.Ala24_Leu27del.
Molecular consequence: 5 prime UTR variant (on NM_001407420.1). On other transcripts: non-coding transcript variant (4), intron variant (8).
Genome position (GRCh38, 1-based): chr9:99,105,275-99,105,286, GCGGCGGCGCTG deleted; deleting any 12 consecutive bases within chr9:99,105,274-99,105,286 gives the same sequence; the c. name uses the placement nearest the transcript's 3' end. VCF-style (leftmost placement, unchanged base first): chr9-99105273-CGGCGGCGGCGCT-C. GRCh37 (hg19) VCF-style: chr9-101867555-CGGCGGCGGCGCT-C.
Other names: c.70_81del, p.Ala24_Leu27del (NM_001130916.3, NM_001306210.2, NM_001407416.1 and 5 more transcripts); c.-274_-263del (NM_001407420.1, NM_001407429.1); c.-243_-232del (NM_001407422.1, NM_001407426.1); c.-198_-187del (NM_001407428.1); c.-111+1534_-111+1545del (NM_001407418.1, NM_001407423.1); c.-111+1169_-111+1180del (NM_001407424.1); c.-111+756_-111+767del (NM_001407425.1); c.-111+549_-111+560del (NM_001407434.1); and 2 more.
Identifiers: ClinVar variation 3722524 (VCV003722524.2).